The following is an entry in ClinVar:

ClinVar aggregate classification (germline): Uncertain significance (1 of 4 stars; one submission).

Conditions:
Charcot-Marie-Tooth disease axonal type 2V. Also called: CHARCOT-MARIE-TOOTH NEUROPATHY, TYPE 2V; CHARCOT-MARIE-TOOTH DISEASE, AXONAL, AUTOSOMAL DOMINANT, TYPE 2V. Identifiers: Orphanet 447964, MedGen C5569050, MONDO:0014665, OMIM 616491.
Mucopolysaccharidosis, MPS-III-B (MPS3B). Also called: N-ACETYL-ALPHA-D-GLUCOSAMINIDASE DEFICIENCY; NAGLU DEFICIENCY; SANFILIPPO SYNDROME B; MPS III B; MUCOPOLYSACCHARIDOSIS, TYPE IIIB; MPS IIIB (Sanfilippo Syndrome Type B). Identifiers: Orphanet 79270, MedGen C0086648, MONDO:0009656, OMIM 252920.

Allele frequency attached by ClinVar (database versions not stated): gnomAD 0.00001; ESP Exome Variant Server 0.00008; TOPMed 0.00003; ExAC 0.00004.
gnomAD v4.1: 12 of 1,603,710 alleles (0.00075%); highest among the groups gnomAD compares: Middle Eastern, 0.016%; no homozygotes.

Submission:

Labcorp Genetics (formerly Invitae), Labcorp
Classification: Uncertain significance for Charcot-Marie-Tooth disease axonal type 2V; Mucopolysaccharidosis, MPS-III-B. Last evaluated: 2021-09-24. Review status: criteria provided, single submitter. Criteria: Invitae Variant Classification Sherloc (09022015). Collection method: clinical testing. Allele origin: germline.
Comment: This sequence change replaces arginine with glutamine at codon 499 of the NAGLU protein (p.Arg499Gln). The arginine residue is moderately conserved and there is a small physicochemical difference between arginine and glutamine. This variant is present in population databases (rs368183484, ExAC 0.02%). This variant has not been reported in the literature in individuals with NAGLU-related conditions. Advanced modeling of protein sequence and biophysical properties (such as structural, functional, and spatial information, amino acid conservation, physicochemical variation, residue mobility, and thermodynamic stability) performed at Invitae indicates that this missense variant is not expected to disrupt NAGLU protein function. In summary, the available evidence is currently insufficient to determine the role of this variant in disease. Therefore, it has been classified as a Variant of Uncertain Significance.

NM_000263.4(NAGLU):c.1496G>A (p.Arg499Gln)

Gene: NAGLU (N-acetyl-alpha-glucosaminidase; plus strand). Cytogenetic location: 17q21.2.
Variant type: single nucleotide variant.
Coding change: c.1496G>A on transcript NM_000263.4 (MANE Select); coding-DNA position 1496, G replaced by A.
Protein change: p.Arg499Gln; replaces arginine 499 with glutamine.
Molecular consequence: missense variant.
Genome position (GRCh38, 1-based): chr17:42,543,502, G>A. VCF-style: chr17-42543502-G-A. GRCh37 (hg19) VCF-style: chr17-40695520-G-A.
Other names: short protein forms R499Q.
Identifiers: ClinVar variation 2179852 (VCV002179852.1), dbSNP rs368183484, ClinGen allele CA8577038.